The following is an entry in ClinVar:

NM_000321.3(RB1):c.-38C>G

Gene: RB1 (RB transcriptional corepressor 1; plus strand). Cytogenetic location: 13q14.2.
Variant type: single nucleotide variant.
Coding change: c.-38C>G on transcript NM_000321.3 (MANE Select); 38 bases upstream of the start codon, C replaced by G.
Molecular consequence: 5 prime UTR variant.
Genome position (GRCh38, 1-based): chr13:48,303,875, C>G. VCF-style: chr13-48303875-C-G. GRCh37 (hg19) VCF-style: chr13-48878011-C-G.
Other names: c.-38C>G (NM_001407165.1, NM_001407166.1, NM_001407167.1).
Identifiers: ClinVar variation 4729481 (VCV004729481.1).
Genomic context (GRCh38, chr13:48,303,875, plus strand): 5'-GGGAGTCGGGAGAGGACGGGGCGTGCCCCGACGTGCGCGCGCGTCGTCCTCCCCGGCGCT[C>G]CTCCACAGCTCGCTGGCTCCCGCCGCGGAAAGGCGTCATGCCGCCCAAAACCCCCCGAAA-3'

ClinVar aggregate classification (germline): Uncertain significance (1 of 4 stars; one submission).

Conditions:
Retinoblastoma (RB1). Also called: RETINOBLASTOMA, SOMATIC. Identifiers: Orphanet 790, MedGen C0035335, MeSH D012175, MONDO:0008380, OMIM 180200, HP:0009919. Disease mechanism: loss of function. Inheritance: Both sporadic and heritable forms are tested..

Submission:

Labcorp Genetics (formerly Invitae), Labcorp
Classification: Uncertain significance for Retinoblastoma. Last evaluated: 2025-04-10. Review status: criteria provided, single submitter. Criteria: Invitae Variant Classification Sherloc (09022015). Collection method: clinical testing. Allele origin: germline.
Comment: This variant occurs in a non-coding region of the RB1 gene. It does not change the encoded amino acid sequence of the RB1 protein. This variant is not present in population databases (gnomAD no frequency). This variant has not been reported in the literature in individuals affected with RB1-related conditions. In summary, the available evidence is currently insufficient to determine the role of this variant in disease. Therefore, it has been classified as a Variant of Uncertain Significance.